The following is an entry in ClinVar:

ClinVar aggregate classification (germline): Likely benign. Review status: criteria provided, multiple submitters, no conflicts (2 of 4 stars). 3 submissions from 3 submitters: Likely benign (2). 1 of the submissions does not count toward it. Last evaluated 2025-10-24.

Conditions:
TUFM-related disorder. Also called: TUFM-related condition.

Allele frequency attached by ClinVar (database versions not stated): gnomAD exomes 0.00002; 1000 Genomes Project 30x 0.00016; 1000 Genomes Project 0.00020; gnomAD 0.00025 and 0.00027; TOPMed 0.00029; ESP Exome Variant Server 0.00054.

Submissions (3):

Labcorp Genetics (formerly Invitae), Labcorp
Classification: Likely benign. Last evaluated: 2025-10-24. Review status: criteria provided, single submitter. Criteria: Invitae Variant Classification Sherloc (09022015). Collection method: clinical testing. Allele origin: germline.

GeneDx
Classification: Likely benign. Last evaluated: 2021-02-22. Review status: criteria provided, single submitter. Criteria: GeneDx Variant Classification Process June 2021. Collection method: clinical testing. Allele origin: germline. Affected: yes.

PreventionGenetics, part of Exact Sciences
Classification: Likely benign for TUFM-related condition. Last evaluated: 2019-05-15. Review status: no assertion criteria provided. Collection method: clinical testing. Allele origin: germline. Not counted in ClinVar's aggregate classification.
Comment: This variant is classified as likely benign based on ACMG/AMP sequence variant interpretation guidelines (Richards et al. 2015 PMID: 25741868, with internal and published modifications).

NM_003321.5(TUFM):c.909C>T (p.Arg303=)

Gene: TUFM (Tu translation elongation factor, mitochondrial; minus strand). Cytogenetic location: 16p11.2.
Variant type: single nucleotide variant.
Coding change: c.909C>T on transcript NM_003321.5 (MANE Select); coding-DNA position 909, C replaced by T.
Protein change: p.Arg303=; no amino-acid change (arginine 303 retained).
Molecular consequence: synonymous variant. On other transcripts: intron variant (1).
Genome position (GRCh38, 1-based): chr16:28,844,243, G>A on the plus strand (C>T on the coding strand, the complement: TUFM is on the minus strand). VCF-style: chr16-28844243-G-A. GRCh37 (hg19) VCF-style: chr16-28855564-G-A.
Other names: c.838+71C>T (NM_001365360.2).
Identifiers: ClinVar variation 507926 (VCV000507926.11), dbSNP rs137863094, ClinGen allele CA7985496.